The following is an entry in ClinVar:

NM_014363.6(SACS):c.13034A>G (p.His4345Arg)

Gene: SACS (sacsin molecular chaperone; minus strand). Cytogenetic location: 13q12.12.
Variant type: single nucleotide variant.
Coding change: c.13034A>G on transcript NM_014363.6 (MANE Select); coding-DNA position 13034, A replaced by G.
Protein change: p.His4345Arg; replaces histidine 4345 with arginine.
Molecular consequence: missense variant.
Genome position (GRCh38, 1-based): chr13:23,330,842, T>C on the plus strand (A>G on the coding strand, the complement: SACS is on the minus strand). VCF-style: chr13-23330842-T-C. GRCh37 (hg19) VCF-style: chr13-23904981-T-C.
Other names: c.12593A>G, p.His4198Arg (NM_001278055.2); c.13061A>G, p.His4354Arg (NM_001437336.1); short protein forms H4198R, H4345R, H4354R.
Identifiers: ClinVar variation 4682242 (VCV004682242.2).
Genomic context (GRCh38, chr13:23,330,842, plus strand): 5'-TGTTTTTCTAATCTGTTGATTTCATTCTGCAAATGTTTAAAAACTTCATTGGCAATGTCA[T>C]GGTTCTCTGGATTTTTGTCAGGATGCCATTTCAAATACAACCGCCTAATAATCTTTTTTC-3'
Protein context (NP_055178.3, residues 4335-4355): KWHPDKNPEN[His4345Arg]DIANEVFKHL

ClinVar aggregate classification (germline): Conflicting classifications of pathogenicity. Review status: criteria provided, conflicting classifications (1 of 4 stars). 2 submissions from 2 submitters: Uncertain significance (1); Likely benign (1). Last evaluated 2026-01-20.

Conditions:
Spastic paraplegia. Identifiers: MedGen C0037772, HP:0001258.

Submissions (2):

Labcorp Genetics (formerly Invitae), Labcorp
Classification: Likely benign for Spastic paraplegia. Last evaluated: 2026-01-20. Review status: criteria provided, single submitter. Criteria: Invitae Variant Classification Sherloc (09022015). Collection method: clinical testing. Allele origin: germline.

Athena Diagnostics
Classification: Uncertain significance. Last evaluated: 2024-12-30. Review status: criteria provided, single submitter. Criteria: Athena Diagnostics Criteria. Collection method: clinical testing. Allele origin: unknown.
Comment: Available data are insufficient to determine the clinical significance of the variant at this time. The frequency of this variant in the general population is uninformative in assessment of its pathogenicity. Polyphen and MutationTaster predict this amino acid change may be benign.